The following is an entry in ClinVar:

ClinVar aggregate classification (germline): Uncertain significance (1 of 4 stars; one submission).

Allele frequency attached by ClinVar (database versions not stated): ExAC 0.00002; gnomAD 0.00002; gnomAD exomes 0.00004; ESP Exome Variant Server 0.00008.
gnomAD v4.1: 64 of 1,614,060 alleles (0.004%); highest among the groups gnomAD compares: Non-Finnish European, 0.0047%; no homozygotes.

Submission:

Labcorp Genetics (formerly Invitae), Labcorp
Classification: Uncertain significance. Last evaluated: 2022-05-17. Review status: criteria provided, single submitter. Criteria: Invitae Variant Classification Sherloc (09022015). Collection method: clinical testing. Allele origin: germline.
Comment: This sequence change replaces glutamic acid, which is acidic and polar, with lysine, which is basic and polar, at codon 742 of the LPIN1 protein (p.Glu742Lys). This variant is present in population databases (rs371993612, gnomAD 0.01%). This variant has not been reported in the literature in individuals affected with LPIN1-related conditions. Algorithms developed to predict the effect of missense changes on protein structure and function are either unavailable or do not agree on the potential impact of this missense change (SIFT: "Deleterious"; PolyPhen-2: "Probably Damaging"; Align-GVGD: "Class C0"). In summary, the available evidence is currently insufficient to determine the role of this variant in disease. Therefore, it has been classified as a Variant of Uncertain Significance.

NM_001349206.2(LPIN1):c.2332G>A (p.Glu778Lys)

Gene: LPIN1 (lipin 1; plus strand). Cytogenetic location: 2p25.1.
Variant type: single nucleotide variant.
Coding change: c.2332G>A on transcript NM_001349206.2 (MANE Select); coding-DNA position 2332, G replaced by A.
Protein change: p.Glu778Lys; replaces glutamic acid 778 with lysine.
Molecular consequence: missense variant. On other transcripts: non-coding transcript variant (1).
Genome position (GRCh38, 1-based): chr2:11,815,170, G>A. VCF-style: chr2-11815170-G-A. GRCh37 (hg19) VCF-style: chr2-11955296-G-A.
Other names: c.2242G>A, p.Glu748Lys (NM_001261427.3); c.2479G>A, p.Glu827Lys (NM_001261428.3); c.2224G>A, p.Glu742Lys (NM_001349199.2, NM_145693.4); c.2302G>A, p.Glu768Lys (NM_001349200.2, NM_001349201.2); c.2329G>A, p.Glu777Lys (NM_001349202.2, NM_001349203.2); c.2332G>A, p.Glu778Lys (NM_001349204.2, NM_001349205.2); c.2422G>A, p.Glu808Lys (NM_001349207.2); c.2371G>A, p.Glu791Lys (NM_001349208.2); short protein forms E748K, E778K, E742K, E791K, E808K, E768K, E777K, E827K.
Identifiers: ClinVar variation 2180915 (VCV002180915.1), dbSNP rs371993612, ClinGen allele CA1534071.
Genomic context (GRCh38, chr2:11,815,170, plus strand): 5'-TGTTCTGCCCGTGCCATCGGGATGGCGGACATGACGCGGGGCTACCTGCACTGGGTCAAC[G>A]AGAGGGGCACGGTGCTGCCCCAGGGGCCCCTGCTGCTGAGTCCCAGCAGCCTCTTCTCTG-3'
Protein context (NP_001336135.1, residues 768-788): MTRGYLHWVN[Glu778Lys]RGTVLPQGPL